The following is an entry in ClinVar:

NM_006245.4(PPP2R5D):c.1159A>G (p.Ile387Val)

Gene: PPP2R5D (protein phosphatase 2 regulatory subunit B'delta; plus strand). Cytogenetic location: 6p21.1.
Variant type: single nucleotide variant.
Coding change: c.1159A>G on transcript NM_006245.4 (MANE Select); coding-DNA position 1159, A replaced by G.
Protein change: p.Ile387Val; replaces isoleucine 387 with valine.
Molecular consequence: missense variant.
Genome position (GRCh38, 1-based): chr6:43,009,135, A>G. VCF-style: chr6-43009135-A-G. GRCh37 (hg19) VCF-style: chr6-42976873-A-G.
Other names: c.1159A>G (NM_006245.2); c.706A>G, p.Ile236Val (NM_001270476.2); c.1063A>G, p.Ile355Val (NM_180976.3); c.841A>G, p.Ile281Val (NM_180977.3); short protein forms I236V, I281V, I355V, I387V.
Identifiers: ClinVar variation 3605694 (VCV003605694.3).

ClinVar aggregate classification (germline): Uncertain significance. Review status: criteria provided, multiple submitters, no conflicts (2 of 4 stars). 2 submissions from 2 submitters: Uncertain significance (2). Last evaluated 2025-11-08.

Conditions:
Inborn genetic diseases. Identifiers: MedGen C0950123, MeSH D030342.

Submissions (2):

Ambry Genetics
Classification: Uncertain significance for Inborn genetic diseases. Last evaluated: 2025-11-08. Review status: criteria provided, single submitter. Criteria: Ambry Variant Classification Scheme 2023. Collection method: clinical testing. Allele origin: germline.

Labcorp Genetics (formerly Invitae), Labcorp
Classification: Uncertain significance. Last evaluated: 2025-02-24. Review status: criteria provided, single submitter. Criteria: Invitae Variant Classification Sherloc (09022015). Collection method: clinical testing. Allele origin: germline.
Comment: This sequence change replaces isoleucine, which is neutral and non-polar, with valine, which is neutral and non-polar, at codon 387 of the PPP2R5D protein (p.Ile387Val). This variant is not present in population databases (gnomAD no frequency). This variant has not been reported in the literature in individuals affected with PPP2R5D-related conditions. An algorithm developed to predict the effect of missense changes on protein structure and function (PolyPhen-2) suggests that this variant is likely to be tolerated. In summary, the available evidence is currently insufficient to determine the role of this variant in disease. Therefore, it has been classified as a Variant of Uncertain Significance.